The following is an entry in ClinVar:

ClinVar aggregate classification (germline): Uncertain significance (1 of 4 stars; one submission).

Conditions:
Leber congenital amaurosis 12 (LCA12). Identifiers: Orphanet 65, MedGen C1857743, MONDO:0012525, OMIM 610612.

Allele frequency attached by ClinVar (database versions not stated): gnomAD exomes 0.00001; TOPMed 0.00002; ExAC 0.00003; ESP Exome Variant Server 0.00015.

Submission:

Labcorp Genetics (formerly Invitae), Labcorp
Classification: Uncertain significance for Leber congenital amaurosis 12. Last evaluated: 2023-08-04. Review status: criteria provided, single submitter. Criteria: Invitae Variant Classification Sherloc (09022015). Collection method: clinical testing. Allele origin: germline.
Comment: This sequence change replaces glutamic acid, which is acidic and polar, with lysine, which is basic and polar, at codon 171 of the RD3 protein (p.Glu171Lys). This variant is present in population databases (rs373687238, gnomAD 0.009%). This variant has not been reported in the literature in individuals affected with RD3-related conditions. ClinVar contains an entry for this variant (Variation ID: 943425). An algorithm developed to predict the effect of missense changes on protein structure and function (PolyPhen-2) suggests that this variant is likely to be disruptive. In summary, the available evidence is currently insufficient to determine the role of this variant in disease. Therefore, it has been classified as a Variant of Uncertain Significance.

NM_001164688.2(RD3):c.511G>A (p.Glu171Lys)

Gene: RD3 (RD3 regulator of GUCY2D; minus strand). Cytogenetic location: 1q32.3.
Variant type: single nucleotide variant.
Coding change: c.511G>A on transcript NM_001164688.2 (MANE Select); coding-DNA position 511, G replaced by A.
Protein change: p.Glu171Lys; replaces glutamic acid 171 with lysine.
Molecular consequence: missense variant.
Genome position (GRCh38, 1-based): chr1:211,479,113, C>T on the plus strand (G>A on the coding strand, the complement: RD3 is on the minus strand). VCF-style: chr1-211479113-C-T. GRCh37 (hg19) VCF-style: chr1-211652455-C-T.
Other names: c.511G>A, p.Glu171Lys (NM_183059.3); short protein forms E171K.
Identifiers: ClinVar variation 943425 (VCV000943425.9), dbSNP rs373687238, ClinGen allele CA1381050.